The following is an entry in ClinVar:

ClinVar aggregate classification (germline): Uncertain significance (1 of 4 stars; one submission).

Submission:

Ambry Genetics
Classification: Uncertain significance. Last evaluated: 2023-09-04. Review status: criteria provided, single submitter. Criteria: Ambry Variant Classification Scheme 2023. Collection method: clinical testing. Allele origin: germline.
Comment: The p.I180L variant (also known as c.538A>C), located in coding exon 7 of the RAD54L gene, results from an A to C substitution at nucleotide position 538. The isoleucine at codon 180 is replaced by leucine, an amino acid with highly similar properties. This amino acid position is conserved. In addition, this alteration is predicted to be deleterious by in silico analysis. Since supporting evidence is limited at this time, the clinical significance of this alteration remains unclear.

NM_003579.4(RAD54L):c.538A>C (p.Ile180Leu)

Gene: RAD54L (RAD54 like; plus strand). Cytogenetic location: 1p34.1.
Variant type: single nucleotide variant.
Coding change: c.538A>C on transcript NM_003579.4 (MANE Select); coding-DNA position 538, A replaced by C.
Protein change: p.Ile180Leu; replaces isoleucine 180 with leucine.
Molecular consequence: missense variant. On other transcripts: 5 prime UTR variant (1).
Genome position (GRCh38, 1-based): chr1:46,260,787, A>C. VCF-style: chr1-46260787-A-C. GRCh37 (hg19) VCF-style: chr1-46726459-A-C.
Other names: c.538A>C, p.Ile180Leu (NM_001142548.2); c.-3A>C (NM_001370766.1); short protein forms I180L.
Identifiers: ClinVar variation 2625167 (VCV002625167.2), dbSNP rs2525668935, ClinGen allele CA340185844.